The following is an entry in ClinVar:

NM_001377.3(DYNC2H1):c.10109del (p.Leu3370fs)

Gene: DYNC2H1 (dynein cytoplasmic 2 heavy chain 1; plus strand). Cytogenetic location: 11q22.3.
Variant type: Deletion.
Coding change: c.10109del on transcript NM_001377.3 (MANE Select); coding-DNA position 10109, one base deleted (T; older notation c.10109delT).
Protein change: p.Leu3370fs; shifts the reading frame from leucine 3370.
Molecular consequence: frameshift variant.
Genome position (GRCh38, 1-based): chr11:103,253,351, T deleted; the last of 5 consecutive T bases (chr11:103,253,347-103,253,351); deleting any one gives the same sequence. VCF-style (leftmost placement, unchanged base first): chr11-103253346-CT-C. GRCh37 (hg19) VCF-style: chr11-103124075-CT-C.
Other names: c.10130del, p.Leu3377fs (NM_001080463.2); short protein forms L3377fs, L3370fs.
Identifiers: ClinVar variation 6514 (VCV000006514.12), dbSNP rs431905500, ClinGen allele CA210520.

ClinVar aggregate classification (germline): Pathogenic. Review status: criteria provided, multiple submitters, no conflicts (2 of 4 stars). 6 submissions from 6 submitters: Pathogenic (5). 1 of the submissions does not count toward it. Last evaluated 2025-12-08.

Conditions:
Jeune thoracic dystrophy. Also called: Infantile thoracic dystrophy; Thoracic pelvic phalangeal dystrophy; Jeune's syndrome; Chondroectodermal dysplasia-like syndrome; Short-rib thoracic dysplasia; Jeune syndrome. Identifiers: Orphanet 474, MedGen C0265275, MONDO:0018770.
Asphyxiating thoracic dystrophy 3. Also called: Saldino-Noonan Syndrome; SHORT-RIB THORACIC DYSPLASIA 3 WITH OR WITHOUT POLYDACTYLY; Short rib polydactyly syndrome 2B; POLYDACTYLY WITH NEONATAL CHONDRODYSTROPHY, TYPE I; SHORT-RIB THORACIC DYSPLASIA 3/6 WITH POLYDACTYLY, DIGENIC. Identifiers: Orphanet 474, Orphanet 93269, Orphanet 93270, Orphanet 93271, MedGen C0036069, MONDO:0013127, OMIM 613091.

Submissions (6):

Labcorp Genetics (formerly Invitae), Labcorp
Classification: Pathogenic for Jeune thoracic dystrophy. Last evaluated: 2025-12-08. Review status: criteria provided, single submitter. Criteria: Invitae Variant Classification Sherloc (09022015). Collection method: clinical testing. Allele origin: germline.
Comment: This sequence change creates a premature translational stop signal (p.Leu3377Cysfs*35) in the DYNC2H1 gene. It is expected to result in an absent or disrupted protein product. Loss-of-function variants in DYNC2H1 are known to be pathogenic (PMID: 23339108, 32753734, 33755199). This variant is present in population databases (rs574497162, gnomAD 0.03%). This premature translational stop signal has been observed in individual(s) with short rib-polydactyly syndrome type III (PMID: 19442771). It has also been observed to segregate with disease in related individuals. ClinVar contains an entry for this variant (Variation ID: 6514). For these reasons, this variant has been classified as Pathogenic.

First Genomix Gene Laboratory, Genetic Diagnostics Department
Classification: Pathogenic for Asphyxiating thoracic dystrophy 3. Last evaluated: 2025-09-19. Review status: criteria provided, single submitter. Criteria: ACMG Guidelines, 2015. Collection method: clinical testing. Allele origin: germline. Inheritance: Autosomal recessive inheritance. Affected: no. Observed: 1 variant allele.

Genomic Medicine Center of Excellence, King Faisal Specialist Hospital and Research Centre
Classification: Pathogenic for Asphyxiating thoracic dystrophy 3. Last evaluated: 2025-09-10. Review status: criteria provided, single submitter. Criteria: ACMG Guidelines, 2015. Collection method: clinical testing. Allele origin: germline.

GeneDx
Classification: Pathogenic. Last evaluated: 2024-02-22. Review status: criteria provided, single submitter. Criteria: GeneDx Variant Classification Process June 2021. Collection method: clinical testing. Allele origin: germline.
Comment: Frameshift variant predicted to result in protein truncation or nonsense mediated decay in a gene for which loss of function is a known mechanism of disease; This variant is associated with the following publications: (PMID: 19442771, 35927022)

Equipe Genetique des Anomalies du Developpement, Université de Bourgogne
Classification: Pathogenic for Asphyxiating thoracic dystrophy 3. Last evaluated: 2021-09-02. Review status: criteria provided, single submitter. Criteria: ACMG Guidelines, 2015. Collection method: clinical testing. Allele origin: maternal. Inheritance: Autosomal recessive inheritance. Affected: yes.
Comment: This variant was observed in compound heterozygosity with variant c.9044A>G

OMIM
Classification: Pathogenic for SHORT-RIB THORACIC DYSPLASIA 3 WITHOUT POLYDACTYLY. Last evaluated: 2009-05-01. Review status: no assertion criteria provided. Collection method: literature only. Allele origin: germline. Not counted in ClinVar's aggregate classification.

Literature cited by the submitters: PubMed 23339108 (cited by Labcorp Genetics (formerly Invitae), Labcorp); PubMed 32753734 (cited by Labcorp Genetics (formerly Invitae), Labcorp); PubMed 33755199 (cited by Labcorp Genetics (formerly Invitae), Labcorp); PubMed 19442771 (cited by 3 submitters).